The following is an entry in ClinVar:

NM_001909.5(CTSD):c.555G>T (p.Gln185His)

Gene: CTSD (cathepsin D; minus strand). Cytogenetic location: 11p15.5.
Variant type: single nucleotide variant.
Coding change: c.555G>T on transcript NM_001909.5 (MANE Select); coding-DNA position 555, G replaced by T.
Protein change: p.Gln185His; replaces glutamine 185 with histidine.
Molecular consequence: missense variant.
Genome position (GRCh38, 1-based): chr11:1,757,473, C>A on the plus strand (G>T on the coding strand, the complement: CTSD is on the minus strand). VCF-style: chr11-1757473-C-A. GRCh37 (hg19) VCF-style: chr11-1778703-C-A.
Other names: short protein forms Q185H.
Identifiers: ClinVar variation 2124186 (VCV002124186.1), dbSNP rs2493823639, ClinGen allele CA379096139.
Genomic context (GRCh38, chr11:1,757,473, plus strand): 5'-GCGGGGGTAGGCCATGCCCAGGATGCCATCGAACTTGGCTGCGATGAAGGTGATGCCTGG[C>A]TGCTTGGTGGCCTCCCCAAAGACCTGCCTCTCCACTTTGACACCGCCCAGGGCAGAGGCT-3'
Protein context (NP_001900.1, residues 175-195): ERQVFGEATK[Gln185His]PGITFIAAKF

ClinVar aggregate classification (germline): Uncertain significance (1 of 4 stars; one submission).

Conditions:
Neuronal ceroid lipofuscinosis. Also called: Neuronal Ceroid Lipofuscinoses. Identifiers: Orphanet 216, Orphanet 79263, MedGen C0027877, MONDO:0016295. Disease mechanism: loss of function.

Allele frequency attached by ClinVar (database versions not stated): gnomAD exomes below 0.00001.
gnomAD v4.1: 1 of 1,614,026 alleles (0.000062%); highest among the groups gnomAD compares: Non-Finnish European, 0.000085%; no homozygotes.

Submission:

Labcorp Genetics (formerly Invitae), Labcorp
Classification: Uncertain significance for Neuronal ceroid lipofuscinosis. Last evaluated: 2022-04-10. Review status: criteria provided, single submitter. Criteria: Invitae Variant Classification Sherloc (09022015). Collection method: clinical testing. Allele origin: germline.
Comment: This sequence change replaces glutamine, which is neutral and polar, with histidine, which is basic and polar, at codon 185 of the CTSD protein (p.Gln185His). This variant is not present in population databases (gnomAD no frequency). This variant has not been reported in the literature in individuals affected with CTSD-related conditions. Algorithms developed to predict the effect of missense changes on protein structure and function are either unavailable or do not agree on the potential impact of this missense change (SIFT: "Deleterious"; PolyPhen-2: "Probably Damaging"; Align-GVGD: "Class C0"). In summary, the available evidence is currently insufficient to determine the role of this variant in disease. Therefore, it has been classified as a Variant of Uncertain Significance.